The following is an entry in ClinVar:

ClinVar aggregate classification (germline): Benign/Likely benign. Review status: criteria provided, multiple submitters, no conflicts (2 of 4 stars). 10 submissions from 10 submitters: Benign (5); Likely benign (5). Last evaluated 2026-01-21.

Conditions:
Noonan syndrome and Noonan-related syndrome. Identifiers: Orphanet 98733, MedGen C5681679, MONDO:0020297.
Cardiovascular phenotype. Identifiers: MedGen CN230736.
Noonan syndrome 9 (NS9). Identifiers: Orphanet 648, MedGen C4225282, MONDO:0014691, OMIM 616559.

Submissions (10):

Labcorp Genetics (formerly Invitae), Labcorp
Classification: Benign for Noonan syndrome 9. Last evaluated: 2026-01-21. Review status: criteria provided, single submitter. Criteria: Invitae Variant Classification Sherloc (09022015). Collection method: clinical testing. Allele origin: germline.

CeGaT Center for Human Genetics Tuebingen
Classification: Likely benign. Last evaluated: 2025-10-01. Review status: criteria provided, single submitter. Criteria: CeGaT Center For Human Genetics Tuebingen Variant Classification Criteria Version 2. Collection method: clinical testing. Allele origin: germline. Affected: yes. Observed: 2 variant alleles.
Comment: SOS2: PM4:Supporting, BS1

Blueprint Genetics
Classification: Likely benign. Last evaluated: 2024-11-22. Review status: criteria provided, single submitter. Criteria: ACMG Guidelines, 2015. Collection method: clinical testing. Allele origin: germline.

Women's Health and Genetics/Laboratory Corporation of America, LabCorp
Classification: Benign. Last evaluated: 2023-05-15. Review status: criteria provided, single submitter. Criteria: LabCorp Variant Classification Summary - May 2015. Collection method: clinical testing. Allele origin: germline.
Comment: Variant summary: SOS2 c.3546_3548dupTCC (p.Pro1183dup) results in an in-frame duplication that is predicted to duplicate 1 amino acid into the encoded protein. The variant allele was found at a frequency of 0.00033 in 230798 control chromosomes (gnomAD). The observed variant frequency is approximately 132 fold of the estimated maximal expected allele frequency for a pathogenic variant in SOS2 causing Noonan Syndrome (2.5e-06), strongly suggesting that the variant is benign. To our knowledge, no occurrence of c.3546_3548dupTCC in individuals affected with Noonan Syndrome and no experimental evidence demonstrating its impact on protein function have been reported. Five ClinVar submitters have assessed this variant since 2014: two classified the variant as likely benign, and three as benign. Based on the evidence outlined above, the variant was classified as benign.

Ambry Genetics
Classification: Benign for Cardiovascular phenotype. Last evaluated: 2022-01-18. Review status: criteria provided, single submitter. Criteria: Ambry Variant Classification Scheme 2023. Collection method: clinical testing. Allele origin: germline.

GeneDx
Classification: Likely benign. Last evaluated: 2021-12-15. Review status: criteria provided, single submitter. Criteria: GeneDx Variant Classification Process June 2021. Collection method: clinical testing. Allele origin: germline. Affected: yes.

Department of Pathology and Laboratory Medicine, Sinai Health System
Classification: Likely benign for Noonan syndrome 9. Last evaluated: 2021-10-22. Review status: criteria provided, single submitter. Criteria: ACMG Guidelines, 2015. Collection method: research. Allele origin: germline.

Fulgent Genetics
Classification: Likely benign for Noonan syndrome 9. Last evaluated: 2021-09-27. Review status: criteria provided, single submitter. Criteria: ACMG Guidelines, 2015. Collection method: clinical testing. Allele origin: unknown.

Genome Diagnostics Laboratory, The Hospital for Sick Children
Classification: Benign for Noonan syndrome and Noonan-related syndrome. Last evaluated: 2021-04-06. Review status: criteria provided, single submitter. Criteria: ACMG Guidelines, 2015. Collection method: clinical testing. Allele origin: germline.

Genome-Nilou Lab
Classification: Benign for Noonan syndrome 9. Review status: criteria provided, single submitter. Criteria: ACMG Guidelines, 2015. Collection method: clinical testing. Allele origin: germline.

NM_006939.4(SOS2):c.3540TCC[4] (p.Pro1183dup)

Gene: SOS2 (SOS Ras/Rho guanine nucleotide exchange factor 2; minus strand). Cytogenetic location: 14q21.3.
Variant type: Microsatellite.
Coding change: c.3540TCC[4] on transcript NM_006939.4 (MANE Select); four copies in a row of the 3-base unit TCC starting at c.3540; the reference has three copies in a row; one copy, 3 bases duplicated; also written c.3546_3548dup.
Protein change: p.Pro1183dup; duplicates proline 1183.
Molecular consequence: inframe insertion.
Genome position (GRCh38, 1-based): chr14:50,118,795-50,118,797, GGA duplicated on the plus strand (TCC on the coding strand, the reverse complement: SOS2 is on the minus strand); duplicating any 3 consecutive bases within chr14:50,118,795-50,118,805 gives the same sequence; the position shown is the placement nearest the transcript's 3' end. VCF-style (leftmost placement, unchanged base first): chr14-50118794-T-TGGA. GRCh37 (hg19) VCF-style: chr14-50585512-T-TGGA.
Other names: c.3546_3548dup (NM_006939.2, NM_006939.4).
Identifiers: ClinVar variation 475754 (VCV000475754.43), dbSNP rs765097073, ClinGen allele CA7176753.